The following continues an entry in ClinVar:

NM_007294.4(BRCA1):c.4882A>G (p.Met1628Val)

Gene: BRCA1. ClinVar aggregate classification (germline): Conflicting classifications of pathogenicity. Uncertain significance (2); Benign (4); Likely benign (8).

Submissions 14 to 16 of 16:

CSER _CC_NCGL, University of Washington
Classification: Uncertain significance for Breast cancer. Last evaluated: 2014-06-01. Review status: criteria provided, single submitter. Criteria: Amendola et al. (Genome Res. 2015). Collection method: research. Allele origin: germline. Inheritance: Autosomal dominant inheritance. Study: ESP 6500 variant annotation.
Comment: Low GERP score may suggest that this variant may belong in a lower pathogenicity class

Variants classified for the Actionable exomic incidental findings in 6503 participants: challenges of variant classification manuscript

Breast Cancer Information Core (BIC) (BRCA1)
Classification: Uncertain significance for Breast-ovarian cancer, familial 1. Last evaluated: 2002-05-29. Review status: no assertion criteria provided. Collection method: clinical testing. Allele origin: germline. Affected: yes. Observed: 6 variant alleles. Not counted in ClinVar's aggregate classification.

Department of Pathology and Laboratory Medicine, Sinai Health System
Classification: Likely benign for Malignant tumor of breast. Review status: no assertion criteria provided. Collection method: clinical testing. Allele origin: unknown. Affected: yes. Observed: 1 variant allele. Study: The Canadian Open Genetics Repository (COGR). Not counted in ClinVar's aggregate classification.
Comment: The p.Met1628Val variant has been previously reported in the literature in 2/40128 proband chromosomes of individuals with breast cancer. However, no controls were tested to establish the frequency of the variant in the general population (Abkevich_2004_15235020, Iversen_2011_21447777, Phelan_2005_15689452, Carvalho_2007_17308087, Tamboom_2010_20380699). Functional studies have reported that the variant displayed ~80% of the wild-type activity, suggesting that it corresponds to a neutral variant (Phelan_2005_15689452, Carvalho_2007_17308087). The variant has been reported in the UMD (x3), BIC (6x with unknown clinical importance), dbSNP (ID:rs80357465) and the Exome Variant Server (frequency: 0.0002) and CNPHI (ACMG3) databases. In the UMD database, the variant was observed to co-occur with another BRCA1 pathogenic mutation: BRCA1: c.25G>T (p.Glu9X), increasing the likelihood that the p.Met1628Val variant does not have any clinical significance. This residue is not conserved in mammals and computational analyses (PolyPhen, SIFT, AlignGVGD) do not suggest a high likelihood of impact to the protein. In addition, the variant amino acid valine (Val) is present in the mouse at this position, increasing the likelihood that an alteration to this residue may not have functional significance. However, this information is not predictive enough to rule out pathogenicity. It should be noted that although this variant occurs outside of the splicing consensus sequence, in-silico or computational prediction software (SpliceSiteFinder, MaxEntScan, NNSPLICE, GeneSplicer, HumanSpliceFinder) predicts a greater than 10% difference in splicing in 2 of 5 different programs. However, this information is not predictive enough to determine the clinical significance of this variant. In summary, based on the above information, the clinical significance of this variant cannot be determined with certainty at this time although we would lean towards a more benign role for this variant. The p.Met1628Val variant is classified as predicted benign.

Literature cited by the submitters: PubMed 15689452 (cited by 3 submitters); PubMed 8776600 (cited by 3 submitters); PubMed 8807330 (cited by Women's Health and Genetics/Laboratory Corporation of America, LabCorp); PubMed 22476429 (cited by Women's Health and Genetics/Laboratory Corporation of America, LabCorp); PubMed 17922257 (cited by Women's Health and Genetics/Laboratory Corporation of America, LabCorp); PubMed 15004537 (cited by 3 submitters); PubMed 25637381 (cited by 3 submitters); PubMed 26780556 (cited by Women's Health and Genetics/Laboratory Corporation of America, LabCorp and Quest Diagnostics Nichols Institute San Juan Capistrano); PubMed 28781887 (cited by Women's Health and Genetics/Laboratory Corporation of America, LabCorp and Quest Diagnostics Nichols Institute San Juan Capistrano); PubMed 30765603 (cited by Women's Health and Genetics/Laboratory Corporation of America, LabCorp); PubMed 21447777 (cited by 3 submitters); PubMed 15235020 (cited by Quest Diagnostics Nichols Institute San Juan Capistrano and Ambry Genetics); PubMed 17311832 (cited by Quest Diagnostics Nichols Institute San Juan Capistrano and Ambry Genetics); PubMed 17308087 (cited by Quest Diagnostics Nichols Institute San Juan Capistrano).